The following is an entry in ClinVar:

ClinVar aggregate classification (germline): Uncertain significance (1 of 4 stars; one submission).

Allele frequency attached by ClinVar (database versions not stated): gnomAD exomes below 0.00001.
gnomAD v4.1: 2 of 1,613,918 alleles (0.00012%); highest among the groups gnomAD compares: Admixed American, 0.0017%; no homozygotes.

Submission:

GeneDx
Classification: Uncertain significance. Last evaluated: 2019-08-23. Review status: criteria provided, single submitter. Criteria: GeneDx Variant Classification Process June 2021. Collection method: clinical testing. Allele origin: germline. Affected: yes.
Comment: Not observed at a significant frequency in large population cohorts (Lek et al., 2016); Missense variant in a gene in which most reported pathogenic variants are truncating/loss-of-function; Has not been previously published as pathogenic or benign to our knowledge

NM_001267550.2(TTN):c.93961G>A (p.Val31321Ile)

Genes: TTN (titin; minus strand), TTN-AS1 (TTN antisense RNA 1; plus strand). Cytogenetic location: 2q31.2.
Variant type: single nucleotide variant.
Coding change: c.93961G>A on transcript NM_001267550.2 (MANE Select); coding-DNA position 93961, G replaced by A.
Protein change: p.Val31321Ile; replaces valine 31321 with isoleucine.
Molecular consequence: missense variant.
Genome position (GRCh38, 1-based): chr2:178,547,665, C>T on the plus strand (G>A on the coding strand, the complement: TTN is on the minus strand). VCF-style: chr2-178547665-C-T. GRCh37 (hg19) VCF-style: chr2-179412392-C-T.
Other names: p.V29680I:GTC>ATC; c.89038G>A, p.Val29680Ile (NM_001256850.1); c.66766G>A, p.Val22256Ile (NM_003319.4); c.86257G>A, p.Val28753Ile (NM_133378.4); c.67141G>A, p.Val22381Ile (NM_133432.3); c.67342G>A, p.Val22448Ile (NM_133437.4); short protein forms V29680I, V31321I, V22256I, V22381I, V22448I, V28753I.
Identifiers: ClinVar variation 202997 (VCV000202997.3), dbSNP rs794729535, ClinGen allele CA310929.